The following is an entry in ClinVar:

NM_001906.6(CTRB1):c.432C>T (p.Ala144=)

Gene: CTRB1 (chymotrypsinogen B1; plus strand). Cytogenetic location: 16q23.1.
Variant type: single nucleotide variant.
Coding change: c.432C>T on transcript NM_001906.6 (MANE Select); coding-DNA position 432, C replaced by T.
Protein change: p.Ala144=; no amino-acid change (alanine 144 retained).
Molecular consequence: synonymous variant.
Genome position (GRCh38, 1-based): chr16:75,223,564, C>T. VCF-style: chr16-75223564-C-T. GRCh37 (hg19) VCF-style: chr16-75257462-C-T.
Other names: c.432C>T, p.Ala144= (NM_001329190.2).
Identifiers: ClinVar variation 4534015 (VCV004534015.6).
Genomic context (GRCh38, chr16:75,223,564, plus strand): 5'-GAAGCTGGCCACACCTGCCCGCTTCTCCCAGACAGTGTCCGCCGTGTGCCTGCCCAGCGC[C>T]GACGACGACTTCCCCGCGGGGACACTGTGTGCCACCACAGGCTGGGGCAAGACCAAGTAC-3'
Protein context (NP_001897.4, residues 134-154): QTVSAVCLPS[Ala144=]DDDFPAGTLC

ClinVar aggregate classification (germline): Likely benign (1 of 4 stars; one submission).

Submission:

CeGaT Center for Human Genetics Tuebingen
Classification: Likely benign. Last evaluated: 2025-10-01. Review status: criteria provided, single submitter. Criteria: CeGaT Center For Human Genetics Tuebingen Variant Classification Criteria Version 2. Collection method: clinical testing. Allele origin: germline. Affected: yes. Observed: 1 variant allele.
Comment: CTRB1: BP4, BP7